The following is an entry in ClinVar:

NM_030667.3(PTPRO):c.2841G>A (p.Leu947=)

Gene: PTPRO (protein tyrosine phosphatase receptor type O; plus strand). Cytogenetic location: 12p12.3.
Variant type: single nucleotide variant.
Coding change: c.2841G>A on transcript NM_030667.3 (MANE Select); coding-DNA position 2841, G replaced by A.
Protein change: p.Leu947=; no amino-acid change (leucine 947 retained).
Molecular consequence: synonymous variant.
Genome position (GRCh38, 1-based): chr12:15,578,864, G>A. VCF-style: chr12-15578864-G-A. GRCh37 (hg19) VCF-style: chr12-15731798-G-A.
Other names: p.Leu947=; c.2757G>A, p.Leu919= (NM_002848.4); c.324G>A, p.Leu108= (NM_030668.3, NM_030670.3); c.408G>A, p.Leu136= (NM_030669.3, NM_030671.3).
Identifiers: ClinVar variation 773260 (VCV000773260.21), dbSNP rs61754412, ClinGen allele CA6467014.

ClinVar aggregate classification (germline): Benign/Likely benign. Review status: criteria provided, multiple submitters, no conflicts (2 of 4 stars). 7 submissions from 7 submitters: Benign (3); Likely benign (4). Last evaluated 2026-07-01.

Conditions:
Nephrotic syndrome, type 6 (NPHS6). Identifiers: Orphanet 656, MedGen C3280100, MONDO:0013619, OMIM 614196.

Allele frequency attached by ClinVar (database versions not stated): 1000 Genomes Project 30x 0.00484; 1000 Genomes Project 0.00539; gnomAD 0.00554 and 0.00585; TOPMed 0.00573; ESP Exome Variant Server 0.00723; ExAC 0.00772; gnomAD exomes 0.00772 and 0.00944.
gnomAD v4.1: 14,456 of 1,596,612 alleles (0.91%); highest among the groups gnomAD compares: South Asian, 1.4%; 110 homozygotes.

Submissions (7):

CeGaT Center for Human Genetics Tuebingen
Classification: Benign. Last evaluated: 2026-07-01. Review status: criteria provided, single submitter. Criteria: CeGaT Center For Human Genetics Tuebingen Variant Classification Criteria Version 2. Collection method: clinical testing. Allele origin: germline. Affected: yes. Observed: 4 variant alleles.
Comment: PTPRO: BP4, BS1, BS2

Labcorp Genetics (formerly Invitae), Labcorp
Classification: Benign. Last evaluated: 2026-01-15. Review status: criteria provided, single submitter. Criteria: Invitae Variant Classification Sherloc (09022015). Collection method: clinical testing. Allele origin: germline.

Blueprint Genetics
Classification: Likely benign. Last evaluated: 2024-11-27. Review status: criteria provided, single submitter. Criteria: ACMG Guidelines, 2015. Collection method: clinical testing. Allele origin: germline.

Mayo Clinic Laboratories, Mayo Clinic
Classification: Benign. Last evaluated: 2023-10-05. Review status: criteria provided, single submitter. Criteria: ACMG Guidelines, 2015. Collection method: clinical testing. Allele origin: germline. Observed: 2 variant alleles.
Comment: BS1, BS2, BP4, BP7

Fulgent Genetics
Classification: Likely benign for Nephrotic syndrome, type 6. Last evaluated: 2021-10-14. Review status: criteria provided, single submitter. Criteria: ACMG Guidelines, 2015. Collection method: clinical testing. Allele origin: unknown.

GeneDx
Classification: Likely benign. Last evaluated: 2021-04-14. Review status: criteria provided, single submitter. Criteria: GeneDx Variant Classification Process June 2021. Collection method: clinical testing. Allele origin: germline. Affected: yes.

Breakthrough Genomics
Classification: Likely benign. Review status: criteria provided, single submitter. Criteria: ACMG Guidelines, 2015. Collection method: not provided. Allele origin: germline. Inheritance: Autosomal recessive inheritance. Affected: yes.